The following is an entry in ClinVar:

NM_000787.4(DBH):c.632C>T (p.Ala211Val)

Gene: DBH (dopamine beta-hydroxylase; plus strand). Cytogenetic location: 9q34.2.
Variant type: single nucleotide variant.
Coding change: c.632C>T on transcript NM_000787.4 (MANE Select); coding-DNA position 632, C replaced by T.
Protein change: p.Ala211Val; replaces alanine 211 with valine.
Molecular consequence: missense variant.
Genome position (GRCh38, 1-based): chr9:133,642,352, C>T. VCF-style: chr9-133642352-C-T. GRCh37 (hg19) VCF-style: chr9-136507474-C-T.
Other names: short protein forms A211V.
Identifiers: ClinVar variation 837433 (VCV000837433.10), dbSNP rs143535251, ClinGen allele CA5313146.

ClinVar aggregate classification (germline): Conflicting classifications of pathogenicity. Review status: criteria provided, conflicting classifications (1 of 4 stars). 4 submissions from 4 submitters: Uncertain significance (3); Likely benign (1). Last evaluated 2024-08-02.

Conditions:
Inborn genetic diseases. Identifiers: MedGen C0950123, MeSH D030342.
Orthostatic hypotension 1 (ORTHYP1). Also called: Dopamine beta-hydroxylase deficiency; Orthostatic hypotension 1, due to DBH deficiency; NORADRENALINE DEFICIENCY; NOREPINEPHRINE DEFICIENCY. Identifiers: Orphanet 230, MedGen C4746777, MONDO:0009123, OMIM 223360.

Allele frequency attached by ClinVar (database versions not stated): ExAC 0.00021; gnomAD exomes 0.00025; TOPMed 0.00049; gnomAD 0.00051 and 0.00052; ESP Exome Variant Server 0.00069.
gnomAD v4.1: 1,265 of 1,614,042 alleles (0.078%); highest among the groups gnomAD compares: Non-Finnish European, 0.099%; 3 homozygotes.

Submissions (4):

Ambry Genetics
Classification: Likely benign for Inborn genetic diseases. Last evaluated: 2024-08-02. Review status: criteria provided, single submitter. Criteria: Ambry Variant Classification Scheme 2023. Collection method: clinical testing. Allele origin: germline.

Labcorp Genetics (formerly Invitae), Labcorp
Classification: Uncertain significance for Orthostatic hypotension 1. Last evaluated: 2022-10-25. Review status: criteria provided, single submitter. Criteria: Invitae Variant Classification Sherloc (09022015). Collection method: clinical testing. Allele origin: germline.
Comment: This sequence change replaces alanine, which is neutral and non-polar, with valine, which is neutral and non-polar, at codon 211 of the DBH protein (p.Ala211Val). This variant is present in population databases (rs143535251, gnomAD 0.05%). This variant has not been reported in the literature in individuals affected with DBH-related conditions. ClinVar contains an entry for this variant (Variation ID: 837433). Advanced modeling of protein sequence and biophysical properties (such as structural, functional, and spatial information, amino acid conservation, physicochemical variation, residue mobility, and thermodynamic stability) performed at Invitae indicates that this missense variant is not expected to disrupt DBH protein function. In summary, the available evidence is currently insufficient to determine the role of this variant in disease. Therefore, it has been classified as a Variant of Uncertain Significance.

Illumina Laboratory Services, Illumina
Classification: Uncertain significance for Orthostatic hypotension 1. Last evaluated: 2018-01-17. Review status: criteria provided, single submitter. Criteria: ICSL Variant Classification Criteria 13 December 2019. Collection method: clinical testing. Allele origin: germline.

Breakthrough Genomics
Classification: Uncertain significance. Review status: criteria provided, single submitter. Criteria: ACMG Guidelines, 2015. Collection method: not provided. Allele origin: germline. Inheritance: Autosomal recessive inheritance. Affected: yes.